The following is an entry in ClinVar:

ClinVar aggregate classification (germline): Benign. Review status: criteria provided, single submitter (1 of 4 stars). 2 submissions from 2 submitters: Benign (1). 1 of the submissions does not count toward it.

Allele frequency attached by ClinVar (database versions not stated): 1000 Genomes Project 0.10225; 1000 Genomes Project 30x 0.10323; TOPMed 0.11157; ESP Exome Variant Server 0.11578; ExAC 0.14712.

Submissions (2):

Breakthrough Genomics
Classification: Benign. Review status: criteria provided, single submitter. Criteria: ACMG Guidelines, 2015. Collection method: not provided. Allele origin: germline. Inheritance: X-linked inheritance. Affected: yes.

Genetic Services Laboratory, University of Chicago
Classification: Likely benign for AllHighlyPenetrant. Review status: no assertion criteria provided. Collection method: clinical testing. Allele origin: germline. Inheritance: X-linked inheritance. Not counted in ClinVar's aggregate classification.
Comment: Likely benign based on allele frequency in 1000 Genomes Project or ESP global frequency and its presence in a patient with a rare or unrelated disease phenotype. NOT Sanger confirmed.

NM_001415.4(EIF2S3):c.374A>G (p.Lys125Arg)

Gene: EIF2S3 (eukaryotic translation initiation factor 2 subunit gamma; plus strand). Cytogenetic location: Xp22.11.
Variant type: single nucleotide variant.
Coding change: c.374A>G on transcript NM_001415.4 (MANE Select); coding-DNA position 374, A replaced by G.
Protein change: p.Lys125Arg; replaces lysine 125 with arginine.
Molecular consequence: missense variant.
Genome position (GRCh38, 1-based): chrX:24,057,745, A>G. VCF-style: chrX-24057745-A-G. GRCh37 (hg19) VCF-style: chrX-24075862-A-G.
Other names: short protein forms K125R.
Identifiers: ClinVar variation 128993 (VCV000128993.7), dbSNP rs16997659, ClinGen allele CA152727.